The following is an entry in ClinVar:

ClinVar aggregate classification (germline): Likely benign. Review status: reviewed by expert panel (3 of 4 stars). 2 submissions from 2 submitters: Likely benign (1). 1 of the submissions does not count toward it. Last evaluated 2017-06-29.

Conditions:
Hereditary cancer-predisposing syndrome. Also called: Hereditary neoplastic syndrome; Hereditary Cancer Syndrome; Neoplastic Syndromes, Hereditary; Tumor predisposition. Identifiers: Orphanet 140162, MedGen C0027672, MeSH D009386, MONDO:0015356.
Breast-ovarian cancer, familial, susceptibility to, 2 (BROVCA2). Also called: BRCA2 Hereditary Breast and Ovarian Cancer. Identifiers: Orphanet 145, MedGen C2675520, MONDO:0012933, OMIM 612555. Disease mechanism: loss of function.

Submissions (2):

Evidence-based Network for the Interpretation of Germline Mutant Alleles (ENIGMA)
Classification: Likely benign for Breast-ovarian cancer, familial, susceptibility to, 2. Last evaluated: 2017-06-29. Review status: reviewed by expert panel. Criteria: ENIGMA BRCA1/2 Classification Criteria (2017-06-29). Collection method: curation. Allele origin: germline.
Comment: Synonymous substitution variant, with low bioinformatic likelihood to result in a splicing aberration (Splicing prior probability 0.02).

Ambry Genetics
Classification: Likely benign for Hereditary cancer-predisposing syndrome. Last evaluated: 2021-10-03. Review status: criteria provided, single submitter. Criteria: Ambry Variant Classification Scheme 2023. Collection method: clinical testing. Allele origin: germline. Not counted in ClinVar's aggregate classification.

NM_000059.4(BRCA2):c.550C>T (p.Leu184=)

Gene: BRCA2 (BRCA2 DNA repair associated; plus strand). Cytogenetic location: 13q13.1.
Variant type: single nucleotide variant.
Coding change: c.550C>T on transcript NM_000059.4 (MANE Select); coding-DNA position 550, C replaced by T.
Protein change: p.Leu184=; no amino-acid change (leucine 184 retained).
Molecular consequence: synonymous variant.
Genome position (GRCh38, 1-based): chr13:32,326,532, C>T. VCF-style: chr13-32326532-C-T. GRCh37 (hg19) VCF-style: chr13-32900669-C-T.
Identifiers: ClinVar variation 427464 (VCV000427464.5), dbSNP rs749053313, ClinGen allele CA483273843.